The following is an entry in ClinVar:

NM_001378418.1(TCF20):c.3348G>C (p.Gln1116His)

Gene: TCF20 (transcription factor 20; minus strand). Cytogenetic location: 22q13.2.
Variant type: single nucleotide variant.
Coding change: c.3348G>C on transcript NM_001378418.1 (MANE Select); coding-DNA position 3348, G replaced by C.
Protein change: p.Gln1116His; replaces glutamine 1116 with histidine.
Molecular consequence: missense variant.
Genome position (GRCh38, 1-based): chr22:42,211,958, C>G on the plus strand (G>C on the coding strand, the complement: TCF20 is on the minus strand). VCF-style: chr22-42211958-C-G. GRCh37 (hg19) VCF-style: chr22-42607964-C-G.
Other names: c.3348G>C, p.Gln1116His (NM_005650.4, NM_181492.3); c.3348G>C (NM_005650.1); short protein forms Q1116H.
Identifiers: ClinVar variation 3023439 (VCV003023439.4), dbSNP rs371071440, ClinGen allele CA10266845.
Genomic context (GRCh38, chr22:42,211,958, plus strand): 5'-CAGAGGGCTCCGTACTCTGTCAAGAAACTGCTGCTGCCTTGGACTCTTCCGTGGCCCCTC[C>G]TGCCTGTGCTGTGCTGCAGCAATTACTCCCTGAGCAGAACCGCTGCTCCAGTCTTTATAC-3'
Protein context (NP_001365347.1, residues 1106-1126): QGVIAAAQHR[Gln1116His]EGPRKSPRQQ

ClinVar aggregate classification (germline): Conflicting classifications of pathogenicity. Review status: criteria provided, conflicting classifications (1 of 4 stars). 2 submissions from 2 submitters: Uncertain significance (1); Likely benign (1). Last evaluated 2025-04-25.

Conditions:
Inborn genetic diseases. Identifiers: MedGen C0950123, MeSH D030342.

Allele frequency attached by ClinVar (database versions not stated): ExAC 0.00002; gnomAD 0.00005; TOPMed 0.00006; ESP Exome Variant Server 0.00023.
gnomAD v4.1: 13 of 1,614,108 alleles (0.00081%); highest among the groups gnomAD compares: African/African-American, 0.017%; no homozygotes.

Submissions (2):

Ambry Genetics
Classification: Likely benign for Inborn genetic diseases. Last evaluated: 2025-04-25. Review status: criteria provided, single submitter. Criteria: Ambry Variant Classification Scheme 2023. Collection method: clinical testing. Allele origin: germline.

Labcorp Genetics (formerly Invitae), Labcorp
Classification: Uncertain significance. Last evaluated: 2023-10-10. Review status: criteria provided, single submitter. Criteria: Invitae Variant Classification Sherloc (09022015). Collection method: clinical testing. Allele origin: germline.
Comment: This sequence change replaces glutamine, which is neutral and polar, with histidine, which is basic and polar, at codon 1116 of the TCF20 protein (p.Gln1116His). This variant is present in population databases (rs371071440, gnomAD 0.03%). This variant has not been reported in the literature in individuals affected with TCF20-related conditions. An algorithm developed to predict the effect of missense changes on protein structure and function (PolyPhen-2) suggests that this variant is likely to be disruptive. In summary, the available evidence is currently insufficient to determine the role of this variant in disease. Therefore, it has been classified as a Variant of Uncertain Significance.